The following is an entry in ClinVar:

ClinVar aggregate classification (germline): Uncertain significance (1 of 4 stars; one submission).

Submission:

CeGaT Center for Human Genetics Tuebingen
Classification: Uncertain significance. Last evaluated: 2026-05-01. Review status: criteria provided, single submitter. Criteria: CeGaT Center For Human Genetics Tuebingen Variant Classification Criteria Version 2. Collection method: clinical testing. Allele origin: germline. Affected: yes. Observed: 1 variant allele.
Comment: CERT1: PM2

NM_001379029.1(CERT1):c.1768C>T (p.Pro590Ser)

Gene: CERT1 (ceramide transporter 1; minus strand). Cytogenetic location: 5q13.3.
Variant type: single nucleotide variant.
Coding change: c.1768C>T on transcript NM_001379029.1 (MANE Select); coding-DNA position 1768, C replaced by T.
Protein change: p.Pro590Ser; replaces proline 590 with serine.
Molecular consequence: missense variant. On other transcripts: intron variant (1).
Genome position (GRCh38, 1-based): chr5:75,379,453, G>A on the plus strand (C>T on the coding strand, the complement: CERT1 is on the minus strand). VCF-style: chr5-75379453-G-A. GRCh37 (hg19) VCF-style: chr5-74675278-G-A.
Other names: c.2152C>T, p.Pro718Ser (NM_001130105.1); c.1768C>T, p.Pro590Ser (NM_001379002.1, NM_005713.3); c.1690C>T, p.Pro564Ser (NM_001379003.1, NM_031361.3); c.1669+1619C>T (NM_001379004.1); short protein forms P564S, P590S, P718S.
Identifiers: ClinVar variation 4874900 (VCV004874900.2).
Genomic context (GRCh38, chr5:75,379,453, plus strand): 5'-TAAAACGTTTTAGAAATTTAGGATACTCTCGCTTTGCCACTGCCCTTAACACTGAGGCTG[G>A]TGCCCATCCTCCAGGGTTCACTGCAAGATAAAGGAAAATTAAAATGTATTAAGATACAAT-3'
Protein context (NP_001365958.1, residues 580-600): VANVNPGGWA[Pro590Ser]ASVLRAVAKR